The following is an entry in ClinVar:

NM_000363.5(TNNI3):c.586G>C (p.Asp196His)

Gene: TNNI3 (troponin I3, cardiac type; minus strand). Cytogenetic location: 19q13.42.
Variant type: single nucleotide variant.
Coding change: c.586G>C on transcript NM_000363.5 (MANE Select); coding-DNA position 586, G replaced by C.
Protein change: p.Asp196His; replaces aspartic acid 196 with histidine.
Molecular consequence: missense variant.
Genome position (GRCh38, 1-based): chr19:55,151,881, C>G on the plus strand (G>C on the coding strand, the complement: TNNI3 is on the minus strand). VCF-style: chr19-55151881-C-G. GRCh37 (hg19) VCF-style: chr19-55663249-C-G.
Other names: short protein forms D196H.
Identifiers: ClinVar variation 2169619 (VCV002169619.5), dbSNP rs104894727, ClinGen allele CA407439559.

ClinVar aggregate classification (germline): Uncertain significance. Review status: criteria provided, multiple submitters, no conflicts (2 of 4 stars). 2 submissions from 2 submitters: Uncertain significance (2). Last evaluated 2026-03-26.

Conditions:
Hypertrophic cardiomyopathy 7. Also called: CARDIOMYOPATHY, FAMILIAL HYPERTROPHIC, 7, MODIFIER OF; TNNI3-Related Familial Hypertrophic Cardiomyopathy; Familial hypertrophic cardiomyopathy 7. Identifiers: MedGen C1860752, MONDO:0013369, OMIM 613690.
Hypertrophic cardiomyopathy. Also called: HYPERTROPHIC MYOCARDIOPATHY. Identifiers: Orphanet 217569, MedGen C0007194, MeSH D002312, MONDO:0005045, HP:0001639.

Submissions (2):

Victorian Clinical Genetics Services, Murdoch Childrens Research Institute
Classification: Uncertain significance for Hypertrophic cardiomyopathy 7. Last evaluated: 2026-03-26. Review status: criteria provided, single submitter. Criteria: ACMG Guidelines, 2015. Collection method: clinical testing. Allele origin: germline. Affected: yes.
Comment: This variant is classified as VUS-3A. Evidence in support of pathogenic classification: Variant is absent from gnomAD (v2, v3 and v4); Other missense variant(s) comparable to the one identified in this case have moderate previous evidence for pathogenicity. p.(Asp196Asn) has been classified as likely pathogenic/pathogenic by many clinical laboratories in ClinVar in association with HCM. p.(Asp196Gly) has been classified as a VUS by clinical laboratories in ClinVar and reported in an individual with atrial fibrillation and cardiomyopathy (PMID: 26169204); Variant is located in a hotspot region or cluster of PATHOGENIC variants (DECIPHER). - Missense variant predicted to be damaging by in silico tool(s) or highly conserved with a major amino acid change. Additional information: Variant is predicted to result in a missense amino acid change from Asp to His; This variant is heterozygous; This gene is associated with both recessive and dominant disease. The recessive form of inheritance is the exception and has only been reported in a small number of families (PMIDs: 15070570, 23270746); Alternative amino acid change(s) at the same position are present in gnomAD (highest allele count: v4: 25 heterozygote(s), 0 homozygote(s)); Previous reports of pathogenicity for this variant are conflicting. This variant has been classified as a VUS by a clinical laboratory in ClinVar. This variant has also been reported in a consanguineous family with 3 individuals homozygous for the variant with RCM and HCM, however heterozygous family members were all asymptomatic (PMID: 30953456); No published functional evidence has been identified for this variant; Gain of function and loss of function are reported mechanisms of disease in this gene. Gain of function is associated with dominant familial restrictive cardiomyopathy 1 (MIM#115210) and hypertrophic cardiomyopathy 7 (MIM#613690), while loss of function is associated with recessive dilated cardiomyopathy 2A (MIM#611880). However loss of function is not clearly established mechanism for dominant dilated cardiomyopathy 1FF (MIM#613286) (PMIDs: 19914256, 21533915, ClinGen: CCID:006406); The condition associated with this gene has incomplete penetrance (PMIDs: 15607392, 32731933); Inheritance information for this variant is not currently available in this individual.

Labcorp Genetics (formerly Invitae), Labcorp
Classification: Uncertain significance for Hypertrophic cardiomyopathy. Last evaluated: 2025-12-22. Review status: criteria provided, single submitter. Criteria: Invitae Variant Classification Sherloc (09022015). Collection method: clinical testing. Allele origin: germline.
Comment: This sequence change replaces aspartic acid, which is acidic and polar, with histidine, which is basic and polar, at codon 196 of the TNNI3 protein (p.Asp196His). This variant is not present in population databases (gnomAD no frequency). This missense change has been observed homozygous in individual(s) with TNNI3-related conditions (PMID: 30953456). ClinVar contains an entry for this variant (Variation ID: 2169619). An algorithm developed to predict the effect of missense changes on protein structure and function (PolyPhen-2) suggests that this variant is likely to be disruptive. Algorithms developed to predict the effect of sequence changes on RNA splicing suggest that this variant may disrupt the consensus splice site. This variant disrupts the p.Asp196 amino acid residue in TNNI3. Other variant(s) that disrupt this residue have been determined to be pathogenic (PMID: 11815426, 12707239, 15607392, 24111713, 25524337, 26914223, 27532257). This suggests that this residue is clinically significant, and that variants that disrupt this residue are likely to be disease-causing. In summary, the available evidence is currently insufficient to determine the role of this variant in disease. Therefore, it has been classified as a Variant of Uncertain Significance.

Literature cited by the submitters: PubMed 15070570 (cited by Victorian Clinical Genetics Services, Murdoch Childrens Research Institute); PubMed 23270746 (cited by Victorian Clinical Genetics Services, Murdoch Childrens Research Institute); PubMed 15607392 (cited by Victorian Clinical Genetics Services, Murdoch Childrens Research Institute and Labcorp Genetics (formerly Invitae), Labcorp); PubMed 21533915 (cited by Victorian Clinical Genetics Services, Murdoch Childrens Research Institute); PubMed 26169204 (cited by Victorian Clinical Genetics Services, Murdoch Childrens Research Institute); PubMed 32731933 (cited by Victorian Clinical Genetics Services, Murdoch Childrens Research Institute); PubMed 19914256 (cited by Victorian Clinical Genetics Services, Murdoch Childrens Research Institute); PubMed 30953456 (cited by Victorian Clinical Genetics Services, Murdoch Childrens Research Institute and Labcorp Genetics (formerly Invitae), Labcorp); PubMed 11815426 (cited by Labcorp Genetics (formerly Invitae), Labcorp); PubMed 12707239 (cited by Labcorp Genetics (formerly Invitae), Labcorp); PubMed 24111713 (cited by Labcorp Genetics (formerly Invitae), Labcorp); PubMed 25524337 (cited by Labcorp Genetics (formerly Invitae), Labcorp); PubMed 26914223 (cited by Labcorp Genetics (formerly Invitae), Labcorp); PubMed 27532257 (cited by Labcorp Genetics (formerly Invitae), Labcorp).